The following is an entry in ClinVar:

NM_199242.3(UNC13D):c.2780T>G (p.Leu927Arg)

Genes: UNC13D (unc-13 homolog D; minus strand), LOC112533672 (Sharpr-MPRA regulatory region 1193; plus strand). Cytogenetic location: 17q25.1.
Variant type: single nucleotide variant.
Coding change: c.2780T>G on transcript NM_199242.3 (MANE Select); coding-DNA position 2780, T replaced by G.
Protein change: p.Leu927Arg; replaces leucine 927 with arginine.
Molecular consequence: missense variant.
Genome position (GRCh38, 1-based): chr17:75,830,412, A>C on the plus strand (T>G on the coding strand, the complement: UNC13D is on the minus strand). VCF-style: chr17-75830412-A-C. GRCh37 (hg19) VCF-style: chr17-73826493-A-C.
Other names: short protein forms L927R.
Identifiers: ClinVar variation 2822620 (VCV002822620.3), dbSNP rs2545976832, ClinGen allele CA401079695.

ClinVar aggregate classification (germline): Uncertain significance (1 of 4 stars; one submission).

Conditions:
Familial hemophagocytic lymphohistiocytosis 3 (FHL3). Also called: UNC13D-Related Familial Hemophagocytic Lymphohistiocytosis (UNC13D-fHLH). Identifiers: Orphanet 540, MedGen C1837174, MONDO:0012146, OMIM 608898.

Submission:

Labcorp Genetics (formerly Invitae), Labcorp
Classification: Uncertain significance for Familial hemophagocytic lymphohistiocytosis 3. Last evaluated: 2022-12-20. Review status: criteria provided, single submitter. Criteria: Invitae Variant Classification Sherloc (09022015). Collection method: clinical testing. Allele origin: germline.
Comment: This sequence change replaces leucine, which is neutral and non-polar, with arginine, which is basic and polar, at codon 927 of the UNC13D protein (p.Leu927Arg). This variant is not present in population databases (gnomAD no frequency). This variant has not been reported in the literature in individuals affected with UNC13D-related conditions. Advanced modeling of protein sequence and biophysical properties (such as structural, functional, and spatial information, amino acid conservation, physicochemical variation, residue mobility, and thermodynamic stability) performed at Invitae indicates that this missense variant is expected to disrupt UNC13D protein function. In summary, the available evidence is currently insufficient to determine the role of this variant in disease. Therefore, it has been classified as a Variant of Uncertain Significance.